The following is an entry in ClinVar:

NM_001142800.2(EYS):c.4233del (p.Phe1411fs)

Gene: EYS (EGF-like photoreceptor maintenance factor; minus strand). Cytogenetic location: 6q12.
Variant type: Deletion.
Coding change: c.4233del on transcript NM_001142800.2 (MANE Select); coding-DNA position 4233, one base deleted (T; older notation c.4233delT).
Protein change: p.Phe1411fs; shifts the reading frame from phenylalanine 1411.
Molecular consequence: frameshift variant.
Genome position (GRCh38, 1-based): chr6:64,591,634, A deleted on the plus strand (T on the coding strand, the reverse complement: EYS is on the minus strand); the first of 3 consecutive A bases (chr6:64,591,634-64,591,636); deleting any one gives the same sequence. VCF-style (leftmost placement, unchanged base first): chr6-64591633-CA-C. GRCh37 (hg19) VCF-style: chr6-65301526-CA-C.
Other names: c.4233del, p.Phe1411fs (NM_001292009.2); short protein forms F1411fs.
Identifiers: ClinVar variation 2056149 (VCV002056149.4), dbSNP rs2533154641, ClinGen allele CA2580075913.

ClinVar aggregate classification (germline): Pathogenic (1 of 4 stars; one submission).

Submission:

Labcorp Genetics (formerly Invitae), Labcorp
Classification: Pathogenic. Last evaluated: 2022-09-20. Review status: criteria provided, single submitter. Criteria: Invitae Variant Classification Sherloc (09022015). Collection method: clinical testing. Allele origin: germline.
Comment: This variant is not present in population databases (gnomAD no frequency). For these reasons, this variant has been classified as Pathogenic. This variant has not been reported in the literature in individuals affected with EYS-related conditions. This sequence change creates a premature translational stop signal (p.Phe1411Leufs*17) in the EYS gene. It is expected to result in an absent or disrupted protein product. Loss-of-function variants in EYS are known to be pathogenic (PMID: 18836446, 20333770).

Literature cited by the submitters: PubMed 18836446; PubMed 20333770.